The following is an entry in ClinVar:

ClinVar aggregate classification (germline): Conflicting classifications of pathogenicity. Review status: criteria provided, conflicting classifications (1 of 4 stars). 3 submissions from 3 submitters: Pathogenic (1); Uncertain significance (1). 1 of the submissions does not count toward it. Last evaluated 2025-09-26.

Conditions:
Inborn genetic diseases. Identifiers: MedGen C0950123, MeSH D030342.
Intellectual disability. Also called: Intellectual developmental disorder; Intellectual functioning disability; intellectual disabilities. Identifiers: MedGen C3714756, MeSH D008607, MONDO:0001071, HP:0001249.

Allele frequency attached by ClinVar (database versions not stated): gnomAD exomes below 0.00001; TOPMed below 0.00001.
gnomAD v4.1: 1 of 1,611,144 alleles (0.000062%); highest among the groups gnomAD compares: Non-Finnish European, 0.000085%; no homozygotes.

Submissions (3):

Ambry Genetics
Classification: Uncertain significance for Inborn genetic diseases. Last evaluated: 2025-09-26. Review status: criteria provided, single submitter. Criteria: Ambry Variant Classification Scheme 2023. Collection method: clinical testing. Allele origin: germline.
Comment: The c.1237+1G>A intronic variant results from a G to A substitution one nucleotide after coding exon 17 of the CAMK2A gene. Alterations that disrupt the canonical splice site are expected to cause aberrant splicing, resulting in an abnormal protein or a transcript that is subject to nonsense-mediated mRNA decay. However, loss of function of CAMK2A has not been established as a mechanism of disease. This variant was not reported in population-based cohorts in the Genome Aggregation Database (gnomAD). This variant was determined to be de novo in at least one individual with features consistent with CAMK2A-related neurodevelopmental disorder (Deciphering Developmental Disorders, 2017). This nucleotide position is highly conserved in available vertebrate species. In silico splice site analysis predicts that this alteration will weaken the native splice donor site. Based on insufficient or conflicting evidence, the clinical significance of this alteration remains unclear.

GeneDx
Classification: Pathogenic. Last evaluated: 2025-01-22. Review status: criteria provided, single submitter. Criteria: GeneDx Variant Classification Process June 2021. Collection method: clinical testing. Allele origin: germline. Affected: yes.
Comment: Canonical splice site variant predicted to result in a null allele in a gene for which loss of function is a known mechanism of disease; Not observed at significant frequency in large population cohorts (gnomAD); This variant is associated with the following publications: (PMID: 33057194, 35982159, 31785789, 28135719, 28191890, 29100089)

Laboratory of Molecular Genetics (Pr. Bezieau's lab), CHU de Nantes
Classification: Pathogenic for Intellectual disability. Last evaluated: 2017-07-03. Review status: no assertion criteria provided. Collection method: research. Allele origin: de novo. Affected: yes. Observed: 1 variant allele. Not counted in ClinVar's aggregate classification.

Literature cited by the submitters: PubMed 28135719 (cited by Ambry Genetics); PubMed 29100089 (cited by Ambry Genetics and Laboratory of Molecular Genetics (Pr. Bezieau's lab), CHU de Nantes).

NM_015981.4(CAMK2A):c.1237+1G>A

Gene: CAMK2A (calcium/calmodulin dependent protein kinase II alpha; minus strand). Cytogenetic location: 5q32.
Variant type: single nucleotide variant.
Coding change: c.1237+1G>A on transcript NM_015981.4 (MANE Select); the canonical splice donor site of the intron after coding-DNA position 1237, G replaced by A.
Molecular consequence: splice donor variant.
Genome position (GRCh38, 1-based): chr5:150,228,191, C>T on the plus strand (G>A on the coding strand, the complement: CAMK2A is on the minus strand). VCF-style: chr5-150228191-C-T. GRCh37 (hg19) VCF-style: chr5-149607754-C-T.
Other names: c.1204+1G>A (NM_171825.3, NM_001369025.2, NM_001363990.1); c.1237+1G>A (NM_001363989.1, NM_015981.3).
Identifiers: ClinVar variation 430919 (VCV000430919.3), dbSNP rs113331868, ClinGen allele CA361740871.